The following is an entry in ClinVar:

ClinVar aggregate classification (germline): Uncertain significance (1 of 4 stars; one submission).

Allele frequency attached by ClinVar (database versions not stated): gnomAD exomes below 0.00001.

Submission:

Labcorp Genetics (formerly Invitae), Labcorp
Classification: Uncertain significance. Last evaluated: 2022-05-24. Review status: criteria provided, single submitter. Criteria: Invitae Variant Classification Sherloc (09022015). Collection method: clinical testing. Allele origin: germline.
Comment: This variant is not present in population databases (gnomAD no frequency). This sequence change replaces alanine, which is neutral and non-polar, with serine, which is neutral and polar, at codon 899 of the CAD protein (p.Ala899Ser). This variant has not been reported in the literature in individuals affected with CAD-related conditions. In summary, the available evidence is currently insufficient to determine the role of this variant in disease. Therefore, it has been classified as a Variant of Uncertain Significance. Algorithms developed to predict the effect of missense changes on protein structure and function (SIFT, PolyPhen-2, Align-GVGD) all suggest that this variant is likely to be tolerated.

NM_004341.5(CAD):c.2695G>T (p.Ala899Ser)

Genes: CAD (carbamoyl-phosphate synthetase 2, aspartate transcarbamylase, and dihydroorotase; plus strand), LOC126806171 (BRD4-independent group 4 enhancer GRCh37_chr2:27454350-27455549; plus strand). Cytogenetic location: 2p23.3.
Variant type: single nucleotide variant.
Coding change: c.2695G>T on transcript NM_004341.5 (MANE Select); coding-DNA position 2695, G replaced by T.
Protein change: p.Ala899Ser; replaces alanine 899 with serine.
Molecular consequence: missense variant.
Genome position (GRCh38, 1-based): chr2:27,232,497, G>T. VCF-style: chr2-27232497-G-T. GRCh37 (hg19) VCF-style: chr2-27455365-G-T.
Other names: c.2506G>T, p.Ala836Ser (NM_001306079.2); short protein forms A836S, A899S.
Identifiers: ClinVar variation 1998323 (VCV001998323.4), dbSNP rs2465326737, ClinGen allele CA346212386.